The following is an entry in ClinVar:

ClinVar aggregate classification (germline): Uncertain significance (1 of 4 stars; one submission).

Conditions:
Inborn genetic diseases. Identifiers: MedGen C0950123, MeSH D030342.

Submission:

Ambry Genetics
Classification: Uncertain significance for Inborn genetic diseases. Last evaluated: 2025-10-10. Review status: criteria provided, single submitter. Criteria: Ambry Variant Classification Scheme 2023. Collection method: clinical testing. Allele origin: germline.
Comment: The p.N953K variant (also known as c.2859T>G), located in coding exon 24 of the ANKRD26 gene, results from a T to G substitution at nucleotide position 2859. The asparagine at codon 953 is replaced by lysine, an amino acid with similar properties. This amino acid position is conserved. In addition, this alteration is predicted to be tolerated by in silico analysis. Based on the available evidence, the clinical significance of this variant remains unclear.

NM_014915.3(ANKRD26):c.2859T>G (p.Asn953Lys)

Gene: ANKRD26 (ankyrin repeat domain 26; minus strand). Cytogenetic location: 10p12.1.
Variant type: single nucleotide variant.
Coding change: c.2859T>G on transcript NM_014915.3 (MANE Select); coding-DNA position 2859, T replaced by G.
Protein change: p.Asn953Lys; replaces asparagine 953 with lysine.
Molecular consequence: missense variant.
Genome position (GRCh38, 1-based): chr10:27,035,591, A>C on the plus strand (T>G on the coding strand, the complement: ANKRD26 is on the minus strand). VCF-style: chr10-27035591-A-C. GRCh37 (hg19) VCF-style: chr10-27324520-A-C.
Other names: c.2856T>G, p.Asn952Lys (NM_001256053.2); short protein forms N953K, N952K.
Identifiers: ClinVar variation 4579260 (VCV004579260.1).